The following is an entry in ClinVar:

ClinVar aggregate classification (germline): Uncertain significance (1 of 4 stars; one submission).

gnomAD v4.1: 1 of 1,611,122 alleles (0.000062%); highest among the groups gnomAD compares: South Asian, 0.0011%; no homozygotes.

Submission:

CeGaT Center for Human Genetics Tuebingen
Classification: Uncertain significance. Last evaluated: 2024-08-01. Review status: criteria provided, single submitter. Criteria: CeGaT Center For Human Genetics Tuebingen Variant Classification Criteria Version 2. Collection method: clinical testing. Allele origin: germline. Affected: yes. Observed: 1 variant allele.
Comment: STAG1: PM2:Supporting

NM_005862.3(STAG1):c.2110G>A (p.Ala704Thr)

Gene: STAG1 (STAG1 cohesin complex component; minus strand). Cytogenetic location: 3q22.3.
Variant type: single nucleotide variant.
Coding change: c.2110G>A on transcript NM_005862.3 (MANE Select); coding-DNA position 2110, G replaced by A.
Protein change: p.Ala704Thr; replaces alanine 704 with threonine.
Molecular consequence: missense variant.
Genome position (GRCh38, 1-based): chr3:136,417,971, C>T on the plus strand (G>A on the coding strand, the complement: STAG1 is on the minus strand). VCF-style: chr3-136417971-C-T. GRCh37 (hg19) VCF-style: chr3-136136813-C-T.
Other names: short protein forms A704T.
Identifiers: ClinVar variation 3342207 (VCV003342207.16).
Genomic context (GRCh38, chr3:136,417,971, plus strand): 5'-TTCCAGTCTTCAATAATCTGTAGCAATTACCAAAGAGATCCCATTTTGTGAGATCATGTG[C>T]ACTGAAATAAACAAAAATGCATCTGTTTTATTCTAGAATGGAAGGAAATTTAAATTTGAG-3'
Protein context (NP_005853.2, residues 694-714): TLKRLTSFHN[Ala704Thr]HDLTKWDLFG